The following is an entry in ClinVar:

ClinVar aggregate classification (germline): Pathogenic. Review status: criteria provided, multiple submitters, no conflicts (2 of 4 stars). 4 submissions from 4 submitters: Pathogenic (3). 1 of the submissions does not count toward it. Last evaluated 2026-02-04.

Conditions:
Hereditary cancer-predisposing syndrome. Also called: Tumor predisposition; Neoplastic Syndromes, Hereditary; Hereditary Cancer Syndrome; Hereditary neoplastic syndrome. Identifiers: Orphanet 140162, MedGen C0027672, MeSH D009386, MONDO:0015356.
Hereditary breast ovarian cancer syndrome. Also called: BRCA1- and BRCA2-Associated Hereditary Breast and Ovarian Cancer; Hereditary breast and ovarian cancer syndrome (HBOC); Hereditary breast and/or ovarian cancer syndrome; Hereditary breast and ovarian cancer syndrome; Hereditary breast and ovarian cancer; Breast and ovarian cancer. Identifiers: Orphanet 145, MedGen C0677776, MeSH D061325, MONDO:0003582. Disease mechanism: loss of function.
Breast-ovarian cancer, familial, susceptibility to, 2 (BROVCA2). Also called: BRCA2 Hereditary Breast and Ovarian Cancer. Identifiers: Orphanet 145, MedGen C2675520, MONDO:0012933, OMIM 612555. Disease mechanism: loss of function.

Submissions (4):

Ambry Genetics
Classification: Pathogenic for Hereditary cancer-predisposing syndrome. Last evaluated: 2026-02-04. Review status: criteria provided, single submitter. Criteria: Ambry Variant Classification Scheme 2023. Collection method: clinical testing. Allele origin: germline.
Comment: The c.8487+1G>T intronic pathogenic mutation results from a G to T substitution one nucleotide after coding exon 18 of the BRCA2 gene. Variants that disrupt the canonical splice site are expected to result in aberrant splicing. In silico splice site analysis predicts that this alteration will weaken the native splice donor site. A resulting transcript is predicted to be in-frame and is not expected to trigger nonsense-mediated mRNA decay. RNA studies have demonstrated that this alteration results in abnormal splicing, resulting in a predicted in-frame deletion of 52 amino acid residues in a functionally important region of the BRCA2 protein (Ambry internal data). Other variant(s) impacting the same donor site (c.8487+1G>A) have been shown to have a similar impact on splicing in individual(s) with features consistent with BRCA2-related cancer predisposition (Acedo A et al. Breast Cancer Res. 2012 May 25;14(3); Agata S et al. Cancer Genet Cytogenet. 2003 Mar;141(2):175-6; Chen X et al. Hum Mutat. 2006 May;27(5):427-35; Ambry internal data). This variant is considered to be rare based on population cohorts in the Genome Aggregation Database (gnomAD). This nucleotide position is highly conserved in available vertebrate species. Based on the supporting evidence, this variant is interpreted as a disease-causing mutation.

GeneKor MSA
Classification: Pathogenic for Hereditary breast ovarian cancer syndrome. Last evaluated: 2025-06-26. Review status: criteria provided, single submitter. Criteria: ACMG Guidelines, 2015. Collection method: clinical testing. Allele origin: germline. Affected: yes.
Comment: This sequence change affects a donor splice site in intron 19 of the BRCA2 gene that is expected to disrupt RNA splicing. Variants that disrupt the donor or acceptor splice site typically lead to a loss of protein function (PMID:16199547), and loss-of-function variants in BRCA2 are known to be pathogenic (PMID:20104584). This variant is not present in population databases (rs81002798). This variant has not been reported in the literature in individuals affected with BRCA2-related conditions.The mutation database ClinVar contains entries for this variant where it is listed as pathogenic (VCV000038162.11). Algorithms developed to predict the effect of sequence changes on RNA splicing suggest that this variant may disrupt the consensus splice site. This variant disrupts the c.8487+1G nucleotide in the BRCA2 gene. Other variant(s) that disrupt this nucleotide have been determined to be pathogenic (PMID:12606139, 16619214, 17591842, 24156927).Based on the classification criteria set by the ACMG and AMP (PMID:25741868) this variant has been classified as pathogenic. According to international guidelines it is recommended that relatives of the patient are tested for the above mutation

Labcorp Genetics (formerly Invitae), Labcorp
Classification: Pathogenic for Hereditary breast ovarian cancer syndrome. Last evaluated: 2018-06-12. Review status: criteria provided, single submitter. Criteria: Invitae Variant Classification Sherloc (09022015). Collection method: clinical testing. Allele origin: germline.
Comment: For these reasons, this variant has been classified as Pathogenic. Donor and acceptor splice site variants typically lead to a loss of protein function (PMID: 16199547), and loss-of-function variants in BRCA2 are known to be pathogenic (PMID: 20104584). A different variant affecting this nucleotide (c.8487+1G>A) has been determined to be pathogenic (PMID: 12606139, 16619214, 17591842, 24156927). This suggests that this nucleotide is important for normal RNA splicing, and that other variants at this position may also be pathogenic. This variant has not been reported in the literature in individuals with BRCA2-related disease. ClinVar contains an entry for this variant (Variation ID: 38162). This variant is not present in population databases (ExAC no frequency). This sequence change affects a donor splice site in intron 19 of the BRCA2 gene. It is expected to disrupt RNA splicing and likely results in an absent or disrupted protein product.

Sharing Clinical Reports Project (SCRP)
Classification: Pathogenic for Breast-ovarian cancer, familial 2. Last evaluated: 2009-02-03. Review status: no assertion criteria provided. Collection method: clinical testing. Allele origin: germline. Not counted in ClinVar's aggregate classification.

Literature cited by the submitters: PubMed 16199547 (cited by GeneKor MSA and Labcorp Genetics (formerly Invitae), Labcorp); PubMed 20104584 (cited by GeneKor MSA and Labcorp Genetics (formerly Invitae), Labcorp); PubMed 12606139 (cited by GeneKor MSA and Labcorp Genetics (formerly Invitae), Labcorp); PubMed 16619214 (cited by GeneKor MSA and Labcorp Genetics (formerly Invitae), Labcorp); PubMed 17591842 (cited by GeneKor MSA and Labcorp Genetics (formerly Invitae), Labcorp); PubMed 24156927 (cited by GeneKor MSA and Labcorp Genetics (formerly Invitae), Labcorp).

NM_000059.4(BRCA2):c.8487+1G>T

Gene: BRCA2 (BRCA2 DNA repair associated; plus strand). Cytogenetic location: 13q13.1.
Variant type: single nucleotide variant.
Coding change: c.8487+1G>T on transcript NM_000059.4 (MANE Select); the canonical splice donor site of the intron after coding-DNA position 8487, G replaced by T.
Molecular consequence: splice donor variant.
Genome position (GRCh38, 1-based): chr13:32,370,558, G>T. VCF-style: chr13-32370558-G-T. GRCh37 (hg19) VCF-style: chr13-32944695-G-T.
Other names: IVS19+1G>T; c.8487+1G>T (NM_001406720.1); c.8391+1G>T (NM_001406719.1); c.3555+1G>T (NM_001406721.1); c.2070+1G>T (NM_001406722.1).
Identifiers: ClinVar variation 38162 (VCV000038162.14), dbSNP rs81002798, ClinGen allele CA025671.